The following is an entry in ClinVar:

NM_203447.4(DOCK8):c.3127del (p.Glu1043fs)

Gene: DOCK8 (dedicator of cytokinesis 8; plus strand). Cytogenetic location: 9p24.3.
Variant type: Deletion.
Coding change: c.3127del on transcript NM_203447.4 (MANE Select); coding-DNA position 3127, one base deleted (G; older notation c.3127delG).
Protein change: p.Glu1043fs; shifts the reading frame from glutamic acid 1043.
Molecular consequence: frameshift variant.
Genome position (GRCh38, 1-based): chr9:399,152, G deleted. VCF-style (leftmost placement, unchanged base first): chr9-399151-TG-T. GRCh37 (hg19) VCF-style: chr9-399151-TG-T.
Other names: c.2827del, p.Glu943fs (NM_001190458.2); c.2923del, p.Glu975fs (NM_001193536.2); short protein forms E1043fs, E943fs, E975fs.
Identifiers: ClinVar variation 4891251 (VCV004891251.1).

ClinVar aggregate classification (germline): Pathogenic (1 of 4 stars; one submission).

Conditions:
Combined immunodeficiency due to DOCK8 deficiency (HIES2). Also called: HIES autosomal recessive; Hyper-IgE recurrent infection syndrome, autosomal recessive; HYPER-IgE RECURRENT INFECTION SYNDROME 2, AUTOSOMAL RECESSIVE; HYPER-IgE SYNDROME 2, AUTOSOMAL RECESSIVE, WITH RECURRENT INFECTIONS; DOCK8 Deficiency. Identifiers: Orphanet 217390, MedGen C4722305, MONDO:0009478, OMIM 243700.

Submission:

Clinical Genetics Laboratory, University Hospital Schleswig-Holstein
Classification: Pathogenic for Combined immunodeficiency due to DOCK8 deficiency. Last evaluated: 2025-10-16. Review status: criteria provided, single submitter. Criteria: ACMG Guidelines, 2015. Collection method: clinical testing. Allele origin: paternal. Affected: yes. Observed: 1 compound heterozygote.
Comment: ACMG criteria applied: PM2, PVS1, PM3